The following is an entry in ClinVar:

NM_000548.5(TSC2):c.2598C>T (p.Ala866=)

Gene: TSC2 (TSC complex subunit 2; plus strand). Cytogenetic location: 16p13.3.
Variant type: single nucleotide variant.
Coding change: c.2598C>T on transcript NM_000548.5 (MANE Select); coding-DNA position 2598, C replaced by T.
Protein change: p.Ala866=; no amino-acid change (alanine 866 retained).
Molecular consequence: synonymous variant.
Genome position (GRCh38, 1-based): chr16:2,075,851, C>T. VCF-style: chr16-2075851-C-T. GRCh37 (hg19) VCF-style: chr16-2125852-C-T.
Other names: c.2598C>T (NM_000548.3); c.2598C>T, p.Ala866= (NM_001077183.3, NM_001114382.3, NM_001363528.2 and 3 more transcripts); c.2487C>T, p.Ala829= (NM_001318827.2); c.2451C>T, p.Ala817= (NM_001318829.2); c.1998C>T, p.Ala666= (NM_001318831.2); c.2631C>T, p.Ala877= (NM_001318832.2).
Identifiers: ClinVar variation 1139167 (VCV001139167.11), dbSNP rs1395372159, ClinGen allele CA492953489.

ClinVar aggregate classification (germline): Benign/Likely benign. Review status: criteria provided, multiple submitters, no conflicts (2 of 4 stars). 4 submissions from 4 submitters: Benign (1); Likely benign (3). Last evaluated 2025-05-20.

Conditions:
Tuberous sclerosis syndrome (TSC). Also called: Tuberous Sclerosis Complex; Tuberous sclerosis. Identifiers: Orphanet 805, MedGen C0041341, MONDO:0001734.
Tuberous sclerosis 2 (TSC2). Identifiers: Orphanet 805, MedGen C1860707, MONDO:0013199, OMIM 613254.
Hereditary cancer-predisposing syndrome. Also called: Hereditary neoplastic syndrome; Tumor predisposition; Neoplastic Syndromes, Hereditary; Hereditary Cancer Syndrome. Identifiers: Orphanet 140162, MedGen C0027672, MeSH D009386, MONDO:0015356.

Allele frequency attached by ClinVar (database versions not stated): TOPMed below 0.00001; gnomAD 0.00001.
gnomAD v4.1: 1 of 1,613,010 alleles (0.000062%); highest among the groups gnomAD compares: African/African-American, 0.0013%; no homozygotes.

Submissions (4):

Myriad Genetics, Inc.
Classification: Benign for Tuberous sclerosis 2. Last evaluated: 2025-05-20. Review status: criteria provided, single submitter. Criteria: Myriad Autosomal Dominant, Autosomal Recessive and X-Linked Classification Criteria (2023). Collection method: clinical testing. Allele origin: unknown.
Comment: This variant is considered benign. This variant is a silent/synonymous amino acid change and it is not expected to impact splicing.

Labcorp Genetics (formerly Invitae), Labcorp
Classification: Likely benign for Tuberous sclerosis 2. Last evaluated: 2025-03-16. Review status: criteria provided, single submitter. Criteria: Invitae Variant Classification Sherloc (09022015). Collection method: clinical testing. Allele origin: germline.

All of Us Research Program, National Institutes of Health
Classification: Likely benign for Tuberous sclerosis syndrome. Last evaluated: 2023-06-08. Review status: criteria provided, single submitter. Criteria: ACMG Guidelines, 2015. Collection method: clinical testing. Allele origin: germline. Inheritance: Autosomal dominant inheritance. Observed: 1 variant allele, 1 heterozygote.
Comment: This study involves interpretation of variants in research participants for the purpose of population health screening. Participant phenotype was not available at the time of variant classification. Additional details can be found in publication PMID: 35346344, PMCID: PMC8962531

Ambry Genetics
Classification: Likely benign for Hereditary cancer-predisposing syndrome. Last evaluated: 2022-11-20. Review status: criteria provided, single submitter. Criteria: Ambry Variant Classification Scheme 2023. Collection method: clinical testing. Allele origin: germline.